The following is an entry in ClinVar:

ClinVar aggregate classification (germline): Uncertain significance (1 of 4 stars; one submission).

Conditions:
Aortic valve disease 2 (AOVD2). Identifiers: MedGen C3542024, MONDO:0013902, OMIM 614823.

gnomAD v4.1: 1 of 1,613,746 alleles (0.000062%); no homozygotes.

Submission:

Labcorp Genetics (formerly Invitae), Labcorp
Classification: Uncertain significance for Aortic valve disease 2. Last evaluated: 2024-06-26. Review status: criteria provided, single submitter. Criteria: Invitae Variant Classification Sherloc (09022015). Collection method: clinical testing. Allele origin: germline.
Comment: This sequence change replaces isoleucine, which is neutral and non-polar, with methionine, which is neutral and non-polar, at codon 396 of the TBX5 protein (p.Ile396Met). This variant is not present in population databases (gnomAD no frequency). This variant has not been reported in the literature in individuals affected with TBX5-related conditions. Advanced modeling of protein sequence and biophysical properties (such as structural, functional, and spatial information, amino acid conservation, physicochemical variation, residue mobility, and thermodynamic stability) performed at Invitae indicates that this missense variant is not expected to disrupt TBX5 protein function with a negative predictive value of 80%. In summary, the available evidence is currently insufficient to determine the role of this variant in disease. Therefore, it has been classified as a Variant of Uncertain Significance.

NM_181486.4(TBX5):c.1188C>G (p.Ile396Met)

Gene: TBX5 (T-box transcription factor 5; minus strand). Cytogenetic location: 12q24.21.
Variant type: single nucleotide variant.
Coding change: c.1188C>G on transcript NM_181486.4 (MANE Select); coding-DNA position 1188, C replaced by G.
Protein change: p.Ile396Met; replaces isoleucine 396 with methionine.
Molecular consequence: missense variant.
Genome position (GRCh38, 1-based): chr12:114,355,901, G>C on the plus strand (C>G on the coding strand, the complement: TBX5 is on the minus strand). VCF-style: chr12-114355901-G-C. GRCh37 (hg19) VCF-style: chr12-114793706-G-C.
Other names: c.1188C>G, p.Ile396Met (NM_000192.3); c.1038C>G, p.Ile346Met (NM_080717.4); short protein forms I346M, I396M.
Identifiers: ClinVar variation 3629042 (VCV003629042.2).